The following is an entry in ClinVar:

NM_024009.3(GJB3):c.-141C>G

Gene: GJB3 (gap junction protein beta 3; plus strand). Cytogenetic location: 1p34.3.
Variant type: single nucleotide variant.
Coding change: c.-141C>G on transcript NM_024009.3 (MANE Select); 141 bases upstream of the start codon, C replaced by G.
Molecular consequence: 5 prime UTR variant.
Genome position (GRCh38, 1-based): chr1:34,781,663, C>G. VCF-style: chr1-34781663-C-G. GRCh37 (hg19) VCF-style: chr1-35247264-C-G.
Identifiers: ClinVar variation 297187 (VCV000297187.6), dbSNP rs113824402, ClinGen allele CA10611033.

ClinVar aggregate classification (germline): Benign. Review status: criteria provided, multiple submitters, no conflicts (2 of 4 stars). 2 submissions from 2 submitters: Benign (2). Last evaluated 2018-12-07.

Conditions:
Erythrokeratodermia variabilis et progressiva 1 (EKVP1). Also called: ERYTHROKERATODERMIA FIGURATA, CONGENITAL FAMILIAL, IN PLAQUES; ERYTHROKERATODERMIA VARIABILIS WITH ERYTHEMA GYRATUM REPENS; ERYTHROKERATODERMIA, PROGRESSIVE SYMMETRIC. Identifiers: Orphanet 317, MedGen C4551486, MONDO:0033010, OMIM 133200.

Allele frequency attached by ClinVar (database versions not stated): TOPMed 0.02838; 1000 Genomes Project 0.03554; 1000 Genomes Project 30x 0.03654.

Submissions (2):

Athena Diagnostics
Classification: Benign. Last evaluated: 2018-12-07. Review status: criteria provided, single submitter. Criteria: Athena Diagnostics Criteria. Collection method: clinical testing. Allele origin: germline.

Illumina Laboratory Services, Illumina
Classification: Benign for Erythrokeratodermia variabilis et progressiva 1. Last evaluated: 2018-01-13. Review status: criteria provided, single submitter. Criteria: ICSL Variant Classification Criteria 13 December 2019. Collection method: clinical testing. Allele origin: germline.
Comment: This variant was observed in the ICSL laboratory as part of a predisposition screen in an ostensibly healthy population. It had not been previously curated by ICSL or reported in the Human Gene Mutation Database (HGMD: prior to June 1st, 2018), and was therefore a candidate for classification through an automated scoring system. Utilizing variant allele frequency, disease prevalence and penetrance estimates, and inheritance mode, an automated score was calculated to assess if this variant is too frequent to cause the disease. Based on the score and internal cut-off values, a variant classified as benign is not then subjected to further curation. The score for this variant resulted in a classification of benign for this disease.